The following is an entry in ClinVar:

ClinVar aggregate classification (germline): Uncertain significance (1 of 4 stars; one submission).

Allele frequency attached by ClinVar (database versions not stated): gnomAD exomes below 0.00001 and 0.00001; TOPMed 0.00002.
gnomAD v4.1: 2 of 1,587,380 alleles (0.00013%); highest among the groups gnomAD compares: Admixed American, 0.0036%; no homozygotes.

Submission:

Labcorp Genetics (formerly Invitae), Labcorp
Classification: Uncertain significance. Last evaluated: 2022-07-06. Review status: criteria provided, single submitter. Criteria: Invitae Variant Classification Sherloc (09022015). Collection method: clinical testing. Allele origin: germline.
Comment: In summary, the available evidence is currently insufficient to determine the role of this variant in disease. Therefore, it has been classified as a Variant of Uncertain Significance. Algorithms developed to predict the effect of missense changes on protein structure and function are either unavailable or do not agree on the potential impact of this missense change (SIFT: "Not Available"; PolyPhen-2: "Benign"; Align-GVGD: "Not Available"). ClinVar contains an entry for this variant (Variation ID: 1396727). This variant has not been reported in the literature in individuals affected with FBN3-related conditions. The frequency data for this variant in the population databases is considered unreliable, as metrics indicate poor data quality at this position in the gnomAD database. This sequence change replaces proline with threonine at codon 799 of the FBN3 protein (p.Pro799Thr). The proline residue is weakly conserved and there is a small physicochemical difference between proline and threonine.

NM_032447.5(FBN3):c.2395C>A (p.Pro799Thr)

Gene: FBN3 (fibrillin 3; minus strand). Cytogenetic location: 19p13.2.
Variant type: single nucleotide variant.
Coding change: c.2395C>A on transcript NM_032447.5 (MANE Select); coding-DNA position 2395, C replaced by A.
Protein change: p.Pro799Thr; replaces proline 799 with threonine.
Molecular consequence: missense variant.
Genome position (GRCh38, 1-based): chr19:8,126,734, G>T on the plus strand (C>A on the coding strand, the complement: FBN3 is on the minus strand). VCF-style: chr19-8126734-G-T. GRCh37 (hg19) VCF-style: chr19-8191618-G-T.
Other names: c.2395C>A, p.Pro799Thr (NM_001321431.2); short protein forms P799T.
Identifiers: ClinVar variation 1396727 (VCV001396727.7), dbSNP rs1015737157, ClinGen allele CA304943253.
Genomic context (GRCh38, chr19:8,126,734, plus strand): 5'-CCAGCCTCTGGAACGCCGTCGGGCTCCGGGGCCGCTCACCTAGACAGAAGGTACCAGAGG[G>T]GTCCAGCCGGCTGCCAGGGCCACATTTGCAGGTGTAGGAGCCGGCCAGGTTCCGACAGAC-3'
Protein context (NP_115823.3, residues 789-809): CKCGPGSRLD[Pro799Thr]SGTFCLDSTK